The following is an entry in ClinVar:

ClinVar aggregate classification (germline): Conflicting classifications of pathogenicity. Review status: criteria provided, conflicting classifications (1 of 4 stars). 5 submissions from 5 submitters: Uncertain significance (1); Benign (2); Likely benign (2). Last evaluated 2026-09-01.

Conditions:
IMAGe syndrome. Also called: Intrauterine growth retardation, metaphyseal dysplasia, adrenal hypoplasia congenita, and genital anomalies; Intrauterine Growth Restriction, Metaphyseal Dysplasia, Adrenal Hypoplasia Congenita, and Genital Anomalies. Identifiers: Orphanet 85173, MedGen C1846009, MONDO:0013873, OMIM 614732.
Beckwith-Wiedemann syndrome (BWS). Also called: EMG SYNDROME; Exomphalos macroglossia gigantism syndrome. Identifiers: Orphanet 116, MedGen C0004903, MONDO:0007534, OMIM 130650.

Allele frequency attached by ClinVar (database versions not stated): 1000 Genomes Project 0.00439; gnomAD 0.00588 and 0.00603; TOPMed 0.00681; gnomAD exomes 0.00846; 1000 Genomes Project 30x 0.00422.

Submissions (5):

CeGaT Center for Human Genetics Tuebingen
Classification: Likely benign. Last evaluated: 2026-09-01. Review status: criteria provided, single submitter. Criteria: CeGaT Center For Human Genetics Tuebingen Variant Classification Criteria Version 2. Collection method: clinical testing. Allele origin: germline. Affected: yes. Observed: 75 variant alleles.
Comment: CDKN1C: BS2

Labcorp Genetics (formerly Invitae), Labcorp
Classification: Benign for Beckwith-Wiedemann syndrome. Last evaluated: 2025-11-17. Review status: criteria provided, single submitter. Criteria: Invitae Variant Classification Sherloc (09022015). Collection method: clinical testing. Allele origin: germline.

Sema4
Classification: Benign for Beckwith-Wiedemann syndrome. Last evaluated: 2020-09-17. Review status: criteria provided, single submitter. Criteria: Sema4 Curation Guidelines. Collection method: curation. Allele origin: germline.

Baylor Genetics
Classification: Uncertain significance for IMAGe syndrome. Last evaluated: 2018-06-08. Review status: criteria provided, single submitter. Criteria: ACMG Guidelines, 2015. Collection method: clinical testing. Allele origin: maternal. Affected: yes.
Comment: This variant was determined to be of uncertain significance according to ACMG Guidelines, 2015 [PMID:25741868].

Center for Pediatric Genomic Medicine, Children's Mercy Hospital and Clinics
Classification: Likely benign. Last evaluated: 2017-02-27. Review status: criteria provided, single submitter. Criteria: ACMG Guidelines, 2015. Collection method: clinical testing. Allele origin: germline.

NM_001122630.2(CDKN1C):c.-11+61G>A

Gene: CDKN1C (cyclin dependent kinase inhibitor 1C; minus strand). Cytogenetic location: 11p15.4.
Variant type: single nucleotide variant.
Coding change: c.-11+61G>A on transcript NM_001122630.2 (MANE Select); 61 bases into the intron after 11 bases upstream of the start codon, G replaced by A.
Molecular consequence: intron variant. On other transcripts: 5 prime UTR variant (1).
Genome position (GRCh38, 1-based): chr11:2,885,573, C>T on the plus strand (G>A on the coding strand, the complement: CDKN1C is on the minus strand). VCF-style: chr11-2885573-C-T. GRCh37 (hg19) VCF-style: chr11-2906803-C-T.
Other names: c.-84G>A (LRG_533t1, NM_001362474.2, NM_000076.2); c.-11+61G>A (NM_001362475.2, NM_001122631.2).
Identifiers: ClinVar variation 236948 (VCV000236948.38), dbSNP rs188494894, ClinGen allele CA10582910.
Genomic context (GRCh38, chr11:2,885,573, plus strand): 5'-GCAGCGAGAGAGGAGAGGACAGCGAGAAGAAGGGGAAAGGAGAGGAGGAGAGGGCGGAGG[C>T]CGGGCGCAAGGGAGACCCCGCGCCGCCCGACTCTGCGTGTGCGAGGGACGCGGCGGCTAC-3'